The following is an entry in ClinVar:

ClinVar aggregate classification (germline): Likely pathogenic. Review status: criteria provided, multiple submitters, no conflicts (2 of 4 stars). 3 submissions from 3 submitters: Likely pathogenic (3). Last evaluated 2025-03-05.

Conditions:
Waardenburg syndrome. Also called: Waardenburg's syndrome. Identifiers: Orphanet 3440, MedGen C3266898, MONDO:0018094.

Submissions (3):

GeneDx
Classification: Likely pathogenic. Last evaluated: 2025-03-05. Review status: criteria provided, single submitter. Criteria: GeneDx Variant Classification Process June 2021. Collection method: clinical testing. Allele origin: germline. Affected: yes.
Comment: Canonical splice site variant predicted to result in an in-frame loss of the adjacent exon in a gene for which loss of function is a known mechanism of disease; Not observed at significant frequency in large population cohorts (gnomAD); Has not been previously published as pathogenic or benign to our knowledge; This variant is associated with the following publications: (PMID: 22012259)

Department of Otolaryngology – Head & Neck Surgery, Cochlear Implant Center
Classification: Likely pathogenic for Waardenburg syndrome. Last evaluated: 2021-04-12. Review status: criteria provided, single submitter. Criteria: ClinGen HL ACMG Specifications v1. Collection method: clinical testing. Allele origin: germline. Affected: yes.
Comment: PVS1_Strong, PM2_Moderate

CeGaT Center for Human Genetics Tuebingen
Classification: Likely pathogenic. Last evaluated: 2016-10-01. Review status: criteria provided, single submitter. Criteria: CeGaT Center For Human Genetics Tuebingen Variant Classification Criteria Version 2. Collection method: clinical testing. Allele origin: germline. Affected: yes. Observed: 1 variant allele.

NM_001354604.2(MITF):c.1180-2A>G

Gene: MITF (melanocyte inducing transcription factor; plus strand). Cytogenetic location: 3p13.
Variant type: single nucleotide variant.
Coding change: c.1180-2A>G on transcript NM_001354604.2 (MANE Select); the canonical splice acceptor site of the intron before coding-DNA position 1180, A replaced by G.
Molecular consequence: splice acceptor variant.
Genome position (GRCh38, 1-based): chr3:69,964,845, A>G. VCF-style: chr3-69964845-A-G. GRCh37 (hg19) VCF-style: chr3-70013996-A-G.
Other names: c.1111-2A>G (NM_001354607.2); c.1006-2A>G (NM_001354608.2, NM_001184967.2); c.1162-2A>G (NM_198159.3); c.1177-2A>G (NM_001354605.2); c.1159-2A>G (NM_001354606.2, NM_006722.3); c.1114-2A>G (NM_198177.3); c.859-2A>G (NM_000248.4); c.841-2A>G (NM_198158.3); and 1 more.
Identifiers: ClinVar variation 425300 (VCV000425300.46), dbSNP rs1064797294, ClinGen allele CA16621803.